The following is an entry in ClinVar:

ClinVar aggregate classification (germline): Uncertain significance (1 of 4 stars; one submission).

Conditions:
Autosomal recessive severe congenital neutropenia due to CSF3R deficiency. Also called: Neutropenia, severe congenital, 7, autosomal recessive. Identifiers: Orphanet 420702, MedGen C4310764, MONDO:0014865, OMIM 617014.

Allele frequency attached by ClinVar (database versions not stated): gnomAD 0.00002 and 0.00003; TOPMed 0.00003; gnomAD exomes 0.00006 and 0.00007; ESP Exome Variant Server 0.00008; ExAC 0.00010.
gnomAD v4.1: 94 of 1,606,536 alleles (0.0059%); highest among the groups gnomAD compares: Middle Eastern, 0.052%; no homozygotes.

Submission:

Labcorp Genetics (formerly Invitae), Labcorp
Classification: Uncertain significance for Autosomal recessive severe congenital neutropenia due to CSF3R deficiency. Last evaluated: 2026-01-22. Review status: criteria provided, single submitter. Criteria: Invitae Variant Classification Sherloc (09022015). Collection method: clinical testing. Allele origin: germline.
Comment: This sequence change replaces valine, which is neutral and non-polar, with isoleucine, which is neutral and non-polar, at codon 36 of the CSF3R protein (p.Val36Ile). This variant is present in population databases (rs369635490, gnomAD 0.01%). This variant has not been reported in the literature in individuals affected with CSF3R-related conditions. ClinVar contains an entry for this variant (Variation ID: 952539). Invitae Evidence Modeling of protein sequence and biophysical properties (such as structural, functional, and spatial information, amino acid conservation, physicochemical variation, residue mobility, and thermodynamic stability) indicates that this missense variant is not expected to disrupt CSF3R protein function with a negative predictive value of 80%. In summary, the available evidence is currently insufficient to determine the role of this variant in disease. Therefore, it has been classified as a Variant of Uncertain Significance.

NM_000760.4(CSF3R):c.106G>A (p.Val36Ile)

Gene: CSF3R (colony stimulating factor 3 receptor; minus strand). Cytogenetic location: 1p34.3.
Variant type: single nucleotide variant.
Coding change: c.106G>A on transcript NM_000760.4 (MANE Select); coding-DNA position 106, G replaced by A.
Protein change: p.Val36Ile; replaces valine 36 with isoleucine.
Molecular consequence: missense variant.
Genome position (GRCh38, 1-based): chr1:36,475,632, C>T on the plus strand (G>A on the coding strand, the complement: CSF3R is on the minus strand). VCF-style: chr1-36475632-C-T. GRCh37 (hg19) VCF-style: chr1-36941233-C-T.
Other names: c.106G>A, p.Val36Ile (NM_156039.3, NM_172313.3); short protein forms V36I.
Identifiers: ClinVar variation 952539 (VCV000952539.7), dbSNP rs369635490, ClinGen allele CA769563.